The following is an entry in ClinVar:

NM_033380.3(COL4A5):c.4283G>A (p.Arg1428His)

Gene: COL4A5 (collagen type IV alpha 5 chain; plus strand). Cytogenetic location: Xq22.3.
Variant type: single nucleotide variant.
Coding change: c.4283G>A on transcript NM_033380.3 (MANE Select); coding-DNA position 4283, G replaced by A.
Protein change: p.Arg1428His; replaces arginine 1428 with histidine.
Molecular consequence: missense variant.
Genome position (GRCh38, 1-based): chrX:108,686,097, G>A. VCF-style: chrX-108686097-G-A. GRCh37 (hg19) VCF-style: chrX-107929327-G-A.
Other names: c.4265G>A, p.Arg1422His (NM_000495.5); short protein forms R1422H, R1428H.
Identifiers: ClinVar variation 1030828 (VCV001030828.8), dbSNP rs2068539626, ClinGen allele CA413853719.

ClinVar aggregate classification (germline): Conflicting classifications of pathogenicity. Review status: criteria provided, conflicting classifications (1 of 4 stars). 4 submissions from 4 submitters: Likely pathogenic (1); Uncertain significance (3). Last evaluated 2024-05-18.

Conditions:
X-linked Alport syndrome (ATS1). Also called: NEPHROPATHY AND DEAFNESS, X-LINKED; COL4A5-Related Nephropathy. Identifiers: Orphanet 63, Orphanet 88917, MedGen C4746986, MONDO:0010520, OMIM 301050.

gnomAD v4.1: 3 of 1,210,455 alleles (0.00025%); highest among the groups gnomAD compares: Non-Finnish European, 0.00034%; no homozygotes.

Submissions (4):

Fulgent Genetics
Classification: Uncertain significance for X-linked Alport syndrome. Last evaluated: 2024-05-18. Review status: criteria provided, single submitter. Criteria: ACMG Guidelines, 2015. Collection method: clinical testing. Allele origin: germline.

Women's Health and Genetics/Laboratory Corporation of America, LabCorp
Classification: Uncertain significance. Last evaluated: 2024-03-12. Review status: criteria provided, single submitter. Criteria: LabCorp Variant Classification Summary - May 2015. Collection method: clinical testing. Allele origin: germline.
Comment: Variant summary: COL4A5 c.4265G>A (p.Arg1422His) results in a non-conservative amino acid change located in the collagen triple helix repeat region of the encoded protein sequence. Four of five in-silico tools predict a benign effect of the variant on protein function. The variant was absent in 182384 control chromosomes (gnomAD). The available data on variant occurrences in the general population are insufficient to allow any conclusion about variant significance. This report does not provide unequivocal conclusions about association of the variant with Alport Syndrome 1, X-Linked Recessive. To our knowledge, no experimental evidence demonstrating an impact on protein function has been reported. The following publication has been ascertained in the context of this evaluation (PMID: 36177613). ClinVar contains an entry for this variant (Variation ID: 1030828). Based on the evidence outlined above, the variant was classified as uncertain significance.

Genomic Medicine Center of Excellence, King Faisal Specialist Hospital and Research Centre
Classification: Likely pathogenic for X-linked Alport syndrome. Last evaluated: 2021-01-04. Review status: criteria provided, single submitter. Criteria: ACMG Guidelines, 2015. Collection method: clinical testing. Allele origin: germline. Affected: yes.

Baylor Genetics
Classification: Uncertain significance for X-linked Alport syndrome. Last evaluated: 2020-05-12. Review status: criteria provided, single submitter. Criteria: ACMG Guidelines, 2015. Collection method: clinical testing. Allele origin: unknown. Affected: yes.
Comment: This variant was determined to be of uncertain significance according to ACMG Guidelines, 2015 [PMID:25741868].

Literature cited by the submitters: PubMed 36177613 (cited by Women's Health and Genetics/Laboratory Corporation of America, LabCorp).